The following is an entry in ClinVar:

NM_001197104.2(KMT2A):c.4086+8G>C

Gene: KMT2A (lysine methyltransferase 2A; plus strand). Cytogenetic location: 11q23.3.
Variant type: single nucleotide variant.
Coding change: c.4086+8G>C on transcript NM_001197104.2 (MANE Select); 8 bases into the intron after coding-DNA position 4086, G replaced by C.
Molecular consequence: intron variant.
Genome position (GRCh38, 1-based): chr11:118,482,503, G>C. VCF-style: chr11-118482503-G-C. GRCh37 (hg19) VCF-style: chr11-118353218-G-C.
Other names: c.4086+8G>C (NM_005933.4).
Identifiers: ClinVar variation 774631 (VCV000774631.38), dbSNP rs200865931, ClinGen allele CA6303775.

ClinVar aggregate classification (germline): Likely benign. Review status: criteria provided, multiple submitters, no conflicts (2 of 4 stars). 7 submissions from 7 submitters: Likely benign (4). 3 of the submissions do not count toward it. Last evaluated 2025-12-21.

Conditions:
KMT2A-related disorder. Also called: KMT2A-related condition.

Allele frequency attached by ClinVar (database versions not stated): ExAC 0.00012; gnomAD 0.00012 and 0.00013; gnomAD exomes 0.00012; TOPMed 0.00016; 1000 Genomes Project 30x 0.00031; 1000 Genomes Project 0.00040.
gnomAD v4.1: 158 of 1,597,090 alleles (0.0099%); highest among the groups gnomAD compares: Middle Eastern, 0.7%; no homozygotes.

Submissions (7):

Labcorp Genetics (formerly Invitae), Labcorp
Classification: Likely benign. Last evaluated: 2025-12-21. Review status: criteria provided, single submitter. Criteria: Invitae Variant Classification Sherloc (09022015). Collection method: clinical testing. Allele origin: germline.

Blueprint Genetics
Classification: Likely benign. Last evaluated: 2024-10-16. Review status: criteria provided, single submitter. Criteria: ACMG Guidelines, 2015. Collection method: clinical testing. Allele origin: germline.

CeGaT Center for Human Genetics Tuebingen
Classification: Likely benign. Last evaluated: 2023-08-01. Review status: criteria provided, single submitter. Criteria: CeGaT Center For Human Genetics Tuebingen Variant Classification Criteria Version 2. Collection method: clinical testing. Allele origin: germline. Affected: yes. Observed: 1 variant allele.
Comment: KMT2A: BP4, BS2

Breakthrough Genomics
Classification: Likely benign. Review status: criteria provided, single submitter. Criteria: ACMG Guidelines, 2015. Collection method: not provided. Allele origin: germline. Inheritance: Autosomal dominant inheritance. Affected: yes.

PreventionGenetics, part of Exact Sciences
Classification: Likely benign for KMT2A-related condition. Last evaluated: 2019-07-12. Review status: no assertion criteria provided. Collection method: clinical testing. Allele origin: germline. Not counted in ClinVar's aggregate classification.
Comment: This variant is classified as likely benign based on ACMG/AMP sequence variant interpretation guidelines (Richards et al. 2015 PMID: 25741868, with internal and published modifications).

Clinical Genetics DNA and cytogenetics Diagnostics Lab, Erasmus MC, Erasmus Medical Center
Classification: Likely benign. Review status: no assertion criteria provided. Collection method: clinical testing. Allele origin: germline. Affected: yes. Study: VKGL Data-share Consensus. Not counted in ClinVar's aggregate classification.

Genome Diagnostics Laboratory, University Medical Center Utrecht
Classification: Likely benign. Review status: no assertion criteria provided. Collection method: clinical testing. Allele origin: germline. Affected: yes. Study: VKGL Data-share Consensus. Not counted in ClinVar's aggregate classification.